The following is an entry in ClinVar:

ClinVar aggregate classification (germline): Uncertain significance (1 of 4 stars; one submission).

Conditions:
Bardet-Biedl syndrome (BBS). Identifiers: Orphanet 110, MedGen C0752166, MONDO:0015229.
McKusick-Kaufman syndrome (MKKS). Also called: HYDROMETROCOLPOS SYNDROME; HYDROMETROCOLPOS, POSTAXIAL POLYDACTYLY, AND CONGENITAL HEART MALFORMATION. Identifiers: Orphanet 2473, MedGen C0948368, MONDO:0009367, OMIM 236700.

Submission:

Labcorp Genetics (formerly Invitae), Labcorp
Classification: Uncertain significance for McKusick-Kaufman syndrome; Bardet-Biedl syndrome. Last evaluated: 2022-03-10. Review status: criteria provided, single submitter. Criteria: Invitae Variant Classification Sherloc (09022015). Collection method: clinical testing. Allele origin: germline.
Comment: This sequence change replaces serine, which is neutral and polar, with cysteine, which is neutral and slightly polar, at codon 14 of the MKKS protein (p.Ser14Cys). This variant is not present in population databases (gnomAD no frequency). This variant has not been reported in the literature in individuals affected with MKKS-related conditions. ClinVar contains an entry for this variant (Variation ID: 955892). Algorithms developed to predict the effect of missense changes on protein structure and function output the following: SIFT: "Deleterious"; PolyPhen-2: "Benign"; Align-GVGD: "Class C15". The cysteine amino acid residue is found in multiple mammalian species, which suggests that this missense change does not adversely affect protein function. In summary, the available evidence is currently insufficient to determine the role of this variant in disease. Therefore, it has been classified as a Variant of Uncertain Significance.

NM_170784.3(MKKS):c.40A>T (p.Ser14Cys)

Gene: MKKS (MKKS centrosomal shuttling protein; minus strand). Cytogenetic location: 20p12.2.
Variant type: single nucleotide variant.
Coding change: c.40A>T on transcript NM_170784.3 (MANE Select); coding-DNA position 40, A replaced by T.
Protein change: p.Ser14Cys; replaces serine 14 with cysteine.
Molecular consequence: missense variant.
Genome position (GRCh38, 1-based): chr20:10,413,475, T>A on the plus strand (A>T on the coding strand, the complement: MKKS is on the minus strand). VCF-style: chr20-10413475-T-A. GRCh37 (hg19) VCF-style: chr20-10394123-T-A.
Other names: c.40A>T, p.Ser14Cys (NM_018848.3); short protein forms S14C.
Identifiers: ClinVar variation 955892 (VCV000955892.7), dbSNP rs2064912754, ClinGen allele CA408233951.